The following is an entry in ClinVar:

NM_000702.4(ATP1A2):c.1652G>C (p.Gly551Ala)

Gene: ATP1A2 (ATPase Na+/K+ transporting subunit alpha 2; plus strand). Cytogenetic location: 1q23.2.
Variant type: single nucleotide variant.
Coding change: c.1652G>C on transcript NM_000702.4 (MANE Select); coding-DNA position 1652, G replaced by C.
Protein change: p.Gly551Ala; replaces glycine 551 with alanine.
Molecular consequence: missense variant.
Genome position (GRCh38, 1-based): chr1:160,130,422, G>C. VCF-style: chr1-160130422-G-C. GRCh37 (hg19) VCF-style: chr1-160100212-G-C.
Other names: short protein forms G551A.
Identifiers: ClinVar variation 2817653 (VCV002817653.3), dbSNP rs2524873242, ClinGen allele CA343243918.

ClinVar aggregate classification (germline): Uncertain significance (1 of 4 stars; one submission).

Conditions:
Familial hemiplegic migraine. Identifiers: MedGen C0338484, MONDO:0000700.

Submission:

Labcorp Genetics (formerly Invitae), Labcorp
Classification: Uncertain significance for Familial hemiplegic migraine. Last evaluated: 2023-01-29. Review status: criteria provided, single submitter. Criteria: Invitae Variant Classification Sherloc (09022015). Collection method: clinical testing. Allele origin: germline.
Comment: This sequence change replaces glycine, which is neutral and non-polar, with alanine, which is neutral and non-polar, at codon 551 of the ATP1A2 protein (p.Gly551Ala). This variant is not present in population databases (gnomAD no frequency). This variant has not been reported in the literature in individuals affected with ATP1A2-related conditions. Algorithms developed to predict the effect of missense changes on protein structure and function (SIFT, PolyPhen-2, Align-GVGD) all suggest that this variant is likely to be disruptive. In summary, the available evidence is currently insufficient to determine the role of this variant in disease. Therefore, it has been classified as a Variant of Uncertain Significance.